The following is an entry in ClinVar:

ClinVar aggregate classification (germline): Uncertain significance. Review status: criteria provided, multiple submitters, no conflicts (2 of 4 stars). 3 submissions from 3 submitters: Uncertain significance (3). Last evaluated 2023-07-19.

Conditions:
Inborn genetic diseases. Identifiers: MedGen C0950123, MeSH D030342.
Glycogen storage disease, type V (GSD5). Also called: McArdle type glycogen storage disease; MCARDLE DISEASE; MUSCLE GLYCOGEN PHOSPHORYLASE DEFICIENCY; MYOPHOSPHORYLASE DEFICIENCY; PYGM DEFICIENCY. Identifiers: Orphanet 368, MedGen C0017924, MONDO:0009293, OMIM 232600.

Allele frequency attached by ClinVar (database versions not stated): ExAC 0.00002; gnomAD exomes 0.00003; TOPMed 0.00003; gnomAD 0.00004; ESP Exome Variant Server 0.00015.

Submissions (3):

Ambry Genetics
Classification: Uncertain significance for Inborn genetic diseases. Last evaluated: 2023-07-19. Review status: criteria provided, single submitter. Criteria: Ambry Variant Classification Scheme 2023. Collection method: clinical testing. Allele origin: germline.

Mayo Clinic Laboratories, Mayo Clinic
Classification: Uncertain significance. Last evaluated: 2022-12-27. Review status: criteria provided, single submitter. Criteria: ACMG Guidelines, 2015. Collection method: clinical testing. Allele origin: germline. Observed: 1 variant allele.
Comment: PP3, PM2

Labcorp Genetics (formerly Invitae), Labcorp
Classification: Uncertain significance for Glycogen storage disease, type V. Last evaluated: 2022-07-29. Review status: criteria provided, single submitter. Criteria: Invitae Variant Classification Sherloc (09022015). Collection method: clinical testing. Allele origin: germline.
Comment: This sequence change replaces arginine, which is basic and polar, with histidine, which is basic and polar, at codon 17 of the PYGM protein (p.Arg17His). This variant is present in population databases (rs148159796, gnomAD 0.008%). This variant has not been reported in the literature in individuals affected with PYGM-related conditions. Algorithms developed to predict the effect of missense changes on protein structure and function are either unavailable or do not agree on the potential impact of this missense change (SIFT: "Not Available"; PolyPhen-2: "Probably Damaging"; Align-GVGD: "Not Available"). In summary, the available evidence is currently insufficient to determine the role of this variant in disease. Therefore, it has been classified as a Variant of Uncertain Significance.

NM_005609.4(PYGM):c.50G>A (p.Arg17His)

Gene: PYGM (glycogen phosphorylase, muscle associated; minus strand). Cytogenetic location: 11q13.1.
Variant type: single nucleotide variant.
Coding change: c.50G>A on transcript NM_005609.4 (MANE Select); coding-DNA position 50, G replaced by A.
Protein change: p.Arg17His; replaces arginine 17 with histidine.
Molecular consequence: missense variant.
Genome position (GRCh38, 1-based): chr11:64,759,849, C>T on the plus strand (G>A on the coding strand, the complement: PYGM is on the minus strand). VCF-style: chr11-64759849-C-T. GRCh37 (hg19) VCF-style: chr11-64527321-C-T.
Other names: p.Arg17His; c.50G>A (NM_005609.2); c.50G>A, p.Arg17His (NM_001164716.1); short protein forms R17H.
Identifiers: ClinVar variation 2144668 (VCV002144668.4), dbSNP rs148159796, ClinGen allele CA6080384.